The following is an entry in ClinVar:

ClinVar aggregate classification (germline): Uncertain significance (1 of 4 stars; one submission).

gnomAD v4.1: 1 of 1,614,070 alleles (0.000062%); no homozygotes.

Submission:

Ambry Genetics
Classification: Uncertain significance. Last evaluated: 2024-10-11. Review status: criteria provided, single submitter. Criteria: Ambry Variant Classification Scheme 2023. Collection method: clinical testing. Allele origin: germline.
Comment: The p.S1401N variant (also known as c.4202G>A), located in coding exon 16 of the POLQ gene, results from a G to A substitution at nucleotide position 4202. The serine at codon 1401 is replaced by asparagine, an amino acid with highly similar properties. This amino acid position is conserved. In addition, this alteration is predicted to be tolerated by in silico analysis. Since supporting evidence is limited at this time, the clinical significance of this alteration remains unclear.

NM_199420.4(POLQ):c.4202G>A (p.Ser1401Asn)

Gene: POLQ (DNA polymerase theta; minus strand). Cytogenetic location: 3q13.33.
Variant type: single nucleotide variant.
Coding change: c.4202G>A on transcript NM_199420.4 (MANE Select); coding-DNA position 4202, G replaced by A.
Protein change: p.Ser1401Asn; replaces serine 1401 with asparagine.
Molecular consequence: missense variant.
Genome position (GRCh38, 1-based): chr3:121,488,729, C>T on the plus strand (G>A on the coding strand, the complement: POLQ is on the minus strand). VCF-style: chr3-121488729-C-T. GRCh37 (hg19) VCF-style: chr3-121207576-C-T.
Other names: short protein forms S1401N.
Identifiers: ClinVar variation 1738669 (VCV001738669.3), dbSNP rs2048036387, ClinGen allele CA354095788.